The following is an entry in ClinVar:

ClinVar aggregate classification (germline): Uncertain significance (1 of 4 stars; one submission).

Submission:

Labcorp Genetics (formerly Invitae), Labcorp
Classification: Uncertain significance. Last evaluated: 2022-02-22. Review status: criteria provided, single submitter. Criteria: Invitae Variant Classification Sherloc (09022015). Collection method: clinical testing. Allele origin: germline.
Comment: In summary, the available evidence is currently insufficient to determine the role of this variant in disease. Therefore, it has been classified as a Variant of Uncertain Significance. This variant has not been reported in the literature in individuals affected with CACNA2D4-related conditions. This variant is a gross deletion of the genomic region encompassing exon(s) 21 of the CACNA2D4 gene. This deletion is out-of-frame, and is expected to create a premature translational stop signal and result in an absent or disrupted protein product. However, the current clinical and genetic evidence is not sufficient to establish whether loss-of-function variants in CACNA2D4 cause disease.

NC_000012.11:g.(?_1965330)_(1965415_?)dup

Gene: CACNA2D4 (calcium voltage-gated channel auxiliary subunit alpha2delta 4; minus strand). Cytogenetic location: 12p13.33.
Variant type: Duplication.
Identifiers: ClinVar variation 2427497 (VCV002427497.4).